The following is an entry in ClinVar:

Conditions:
Long QT syndrome 5 (LQT5). Identifiers: Orphanet 101016, Orphanet 768, MedGen C1867904, MONDO:0013372, OMIM 613695.

Submission:

Roden Lab, Vanderbilt University Medical Center
No classification provided (evidence only). Condition: Long QT syndrome 5. Review status: no classification provided. Collection method: in vitro. Allele origin: not applicable. Functional consequence: Effect on ion channel function.
ClinVar note: "not provided" was previously submitted as the classification for the variant. However, the classification appeared to be based only on an observation of functional data so it was converted to no classification on 2025-07-30.

NM_000219.6(KCNE1):c.19A>T (p.Thr7Ser)

Gene: KCNE1 (potassium voltage-gated channel subfamily E regulatory subunit 1; minus strand). Cytogenetic location: 21q22.12.
Variant type: single nucleotide variant.
Coding change: c.19A>T on transcript NM_000219.6 (MANE Select); coding-DNA position 19, A replaced by T.
Protein change: p.Thr7Ser; replaces threonine 7 with serine.
Molecular consequence: missense variant.
Genome position (GRCh38, 1-based): chr21:34,449,616, T>A on the plus strand (A>T on the coding strand, the complement: KCNE1 is on the minus strand). VCF-style: chr21-34449616-T-A. GRCh37 (hg19) VCF-style: chr21-35821914-T-A.
Other names: c.19A>T, p.Thr7Ser (NM_001127668.4, NM_001127669.4, NM_001127670.4 and 4 more transcripts); short protein forms T7S.
Identifiers: ClinVar variation 3374298 (VCV003374298.2).